The following is an entry in ClinVar:

NM_177972.3(TUB):c.1214A>C (p.Asn405Thr)

Genes: TUB (TUB bipartite transcription factor; plus strand), RIC3 (RIC3 acetylcholine receptor chaperone; minus strand). Cytogenetic location: 11p15.4.
Variant type: single nucleotide variant.
Coding change: c.1214A>C on transcript NM_177972.3 (MANE Select); coding-DNA position 1214, A replaced by C.
Protein change: p.Asn405Thr; replaces asparagine 405 with threonine.
Molecular consequence: missense variant.
Genome position (GRCh38, 1-based): chr11:8,100,600, A>C. VCF-style: chr11-8100600-A-C. GRCh37 (hg19) VCF-style: chr11-8122147-A-C.
Other names: c.1379A>C, p.Asn460Thr (NM_003320.5); c.1379A>C (NM_003320.4); short protein forms N460T, N405T.
Identifiers: ClinVar variation 1481035 (VCV001481035.5), dbSNP rs189328202, ClinGen allele CA379571603.

ClinVar aggregate classification (germline): Uncertain significance. Review status: criteria provided, multiple submitters, no conflicts (2 of 4 stars). 2 submissions from 2 submitters: Uncertain significance (2). Last evaluated 2026-06-15.

Conditions:
TUB-related disorder. Also called: TUB-related condition.

Submissions (2):

PreventionGenetics, part of Exact Sciences
Classification: Uncertain significance for TUB-related condition. Last evaluated: 2026-06-15. Review status: criteria provided, single submitter. Criteria: ACMG Guidelines, 2015. Collection method: clinical testing. Allele origin: germline.
Comment: The TUB c.1379A>C variant is predicted to result in the amino acid substitution p.Asn460Thr. To our knowledge, this variant has not been reported in the literature or in a large population database (gnomAD), indicating this variant is rare. At this time, the clinical significance of this variant is uncertain due to the absence of conclusive functional and genetic evidence.

Labcorp Genetics (formerly Invitae), Labcorp
Classification: Uncertain significance. Last evaluated: 2022-11-22. Review status: criteria provided, single submitter. Criteria: Invitae Variant Classification Sherloc (09022015). Collection method: clinical testing. Allele origin: germline.
Comment: Algorithms developed to predict the effect of missense changes on protein structure and function are either unavailable or do not agree on the potential impact of this missense change (SIFT: "Deleterious"; PolyPhen-2: "Possibly Damaging"; Align-GVGD: "Class C0"). In summary, the available evidence is currently insufficient to determine the role of this variant in disease. Therefore, it has been classified as a Variant of Uncertain Significance. ClinVar contains an entry for this variant (Variation ID: 1481035). This variant has not been reported in the literature in individuals affected with TUB-related conditions. This variant is not present in population databases (gnomAD no frequency). This sequence change replaces asparagine, which is neutral and polar, with threonine, which is neutral and polar, at codon 460 of the TUB protein (p.Asn460Thr).